The following is an entry in ClinVar:

ClinVar aggregate classification (germline): Pathogenic (1 of 4 stars; one submission).

gnomAD v4.1: 6 of 1,551,364 alleles (0.00039%); highest among the groups gnomAD compares: Admixed American, 0.0021%; no homozygotes.

Submission:

Labcorp Genetics (formerly Invitae), Labcorp
Classification: Pathogenic. Last evaluated: 2024-06-02. Review status: criteria provided, single submitter. Criteria: Invitae Variant Classification Sherloc (09022015). Collection method: clinical testing. Allele origin: germline.
Comment: This sequence change creates a premature translational stop signal (p.Arg267*) in the TRAF3IP1 gene. It is expected to result in an absent or disrupted protein product. Loss-of-function variants in TRAF3IP1 are known to be pathogenic (PMID: 21945076, 26487268, 29068549). The frequency data for this variant in the population databases is considered unreliable, as metrics indicate poor data quality at this position in the gnomAD database. This variant has not been reported in the literature in individuals affected with TRAF3IP1-related conditions. For these reasons, this variant has been classified as Pathogenic.

Literature cited by the submitters: PubMed 21945076; PubMed 26487268; PubMed 29068549.

NM_015650.4(TRAF3IP1):c.799C>T (p.Arg267Ter)

Gene: TRAF3IP1 (TRAF3 interacting protein 1; plus strand). Cytogenetic location: 2q37.3.
Variant type: single nucleotide variant.
Coding change: c.799C>T on transcript NM_015650.4 (MANE Select); coding-DNA position 799, C replaced by T.
Protein change: p.Arg267Ter; replaces arginine 267 with a stop codon.
Molecular consequence: nonsense.
Genome position (GRCh38, 1-based): chr2:238,329,226, C>T. VCF-style: chr2-238329226-C-T. GRCh37 (hg19) VCF-style: chr2-239237867-C-T.
Other names: c.799C>T, p.Arg267Ter (NM_001139490.1); short protein forms R267*.
Identifiers: ClinVar variation 3706261 (VCV003706261.2).
Genomic context (GRCh38, chr2:238,329,226, plus strand): 5'-AAGGAGACAGAGAGAAAGAGTGAGGGGGGGAAAGAGAAGGAGAGACTGAGAGACAGGGAC[C>T]GAGAGCGCGACCGGGACAAAGGGAAGGACAGGGACAGACGGAGAGTGAAAAACGGGGAGC-3'